The following is an entry in ClinVar:

NM_014423.4(AFF4):c.2173A>G (p.Arg725Gly)

Gene: AFF4 (ALF transcription elongation factor 4; minus strand). Cytogenetic location: 5q31.1.
Variant type: single nucleotide variant.
Coding change: c.2173A>G on transcript NM_014423.4 (MANE Select); coding-DNA position 2173, A replaced by G.
Protein change: p.Arg725Gly; replaces arginine 725 with glycine.
Molecular consequence: missense variant.
Genome position (GRCh38, 1-based): chr5:132,896,457, T>C on the plus strand (A>G on the coding strand, the complement: AFF4 is on the minus strand). VCF-style: chr5-132896457-T-C. GRCh37 (hg19) VCF-style: chr5-132232149-T-C.
Other names: short protein forms R725G.
Identifiers: ClinVar variation 3236389 (VCV003236389.1), dbSNP rs2532473088, ClinGen allele CA360933509.

ClinVar aggregate classification (germline): Uncertain significance (1 of 4 stars; one submission).

Conditions:
Cognitive impairment - coarse facies - heart defects - obesity - pulmonary involvement - short stature - skeletal dysplasia syndrome. Also called: Chops syndrome; COGNITIVE IMPAIRMENT, COARSE FACIES, HEART DEFECTS, OBESITY, PULMONARY INVOLVEMENT, SHORT STATURE, AND SKELETAL DYSPLASIA; AFF4-Related CHOPS Syndrome. Identifiers: Orphanet 444077, MedGen C4085597, MONDO:0014609, OMIM 616368.

Allele frequency attached by ClinVar (database versions not stated): gnomAD exomes below 0.00001.
gnomAD v4.1: 1 of 1,614,240 alleles (0.000062%); highest among the groups gnomAD compares: South Asian, 0.0011%; no homozygotes.

Submission:

MVZ Medizinische Genetik Mainz
Classification: Uncertain significance for Cognitive impairment - coarse facies - heart defects - obesity - pulmonary involvement - short stature - skeletal dysplasia syndrome. Last evaluated: 2022-10-21. Review status: criteria provided, single submitter. Criteria: UK Practice Guidelines For Variant Classification V4 01 2020. Collection method: clinical testing. Allele origin: germline. Inheritance: Autosomal dominant inheritance. Affected: yes. Observed: 1 variant allele.
Comment: ACMG Criteria: PM2_SUP,PP3